The following is an entry in ClinVar:

NM_005045.4(RELN):c.4838C>T (p.Ser1613Phe)

Gene: RELN (reelin; minus strand). Cytogenetic location: 7q22.1.
Variant type: single nucleotide variant.
Coding change: c.4838C>T on transcript NM_005045.4 (MANE Select); coding-DNA position 4838, C replaced by T.
Protein change: p.Ser1613Phe; replaces serine 1613 with phenylalanine.
Molecular consequence: missense variant.
Genome position (GRCh38, 1-based): chr7:103,566,322, G>A on the plus strand (C>T on the coding strand, the complement: RELN is on the minus strand). VCF-style: chr7-103566322-G-A. GRCh37 (hg19) VCF-style: chr7-103206769-G-A.
Other names: c.4838C>T (NM_005045.3); c.4838C>T, p.Ser1613Phe (NM_173054.3); short protein forms S1613F.
Identifiers: ClinVar variation 1485820 (VCV001485820.9), dbSNP rs201945386, ClinGen allele CA163914250.

ClinVar aggregate classification (germline): Uncertain significance. Review status: criteria provided, multiple submitters, no conflicts (2 of 4 stars). 2 submissions from 2 submitters: Uncertain significance (2). Last evaluated 2024-10-16.

Conditions:
Inborn genetic diseases. Identifiers: MedGen C0950123, MeSH D030342.
Norman-Roberts syndrome (LIS2). Also called: Lissencephaly 2 (Norman-Roberts type). Identifiers: Orphanet 89844, MedGen C0796089, MONDO:0009760, OMIM 257320.
Familial temporal lobe epilepsy 7. Identifiers: Orphanet 101046, MedGen C4225327, MONDO:0014639, OMIM 616436.

Allele frequency attached by ClinVar (database versions not stated): gnomAD exomes below 0.00001.
gnomAD v4.1: 16 of 1,613,956 alleles (0.00099%); highest among the groups gnomAD compares: Non-Finnish European, 0.0014%; no homozygotes.

Submissions (2):

Labcorp Genetics (formerly Invitae), Labcorp
Classification: Uncertain significance for Familial temporal lobe epilepsy 7; Norman-Roberts syndrome. Last evaluated: 2024-10-16. Review status: criteria provided, single submitter. Criteria: Invitae Variant Classification Sherloc (09022015). Collection method: clinical testing. Allele origin: germline.
Comment: This sequence change replaces serine, which is neutral and polar, with phenylalanine, which is neutral and non-polar, at codon 1613 of the RELN protein (p.Ser1613Phe). This variant is present in population databases (rs201945386, gnomAD 0.0009%). This variant has not been reported in the literature in individuals affected with RELN-related conditions. ClinVar contains an entry for this variant (Variation ID: 1485820). Invitae Evidence Modeling of protein sequence and biophysical properties (such as structural, functional, and spatial information, amino acid conservation, physicochemical variation, residue mobility, and thermodynamic stability) indicates that this missense variant is not expected to disrupt RELN protein function with a negative predictive value of 80%. In summary, the available evidence is currently insufficient to determine the role of this variant in disease. Therefore, it has been classified as a Variant of Uncertain Significance.

Ambry Genetics
Classification: Uncertain significance for Inborn genetic diseases. Last evaluated: 2022-09-26. Review status: criteria provided, single submitter. Criteria: Ambry Variant Classification Scheme 2023. Collection method: clinical testing. Allele origin: germline.